The following is an entry in ClinVar:

ClinVar aggregate classification (germline): Conflicting classifications of pathogenicity. Review status: criteria provided, conflicting classifications (1 of 4 stars). 6 submissions from 6 submitters: Uncertain significance (1); Benign (1); Likely benign (4). Last evaluated 2025-10-02.

Conditions:
Neuromuscular disease caused by qualitative or quantitative defects of dysferlin. Also called: Qualitative or quantitative defects of dysferlin; Dysferlinopathy. Identifiers: Orphanet 207073, MedGen C2931687, MONDO:0016145.
Autosomal recessive limb-girdle muscular dystrophy type 2B (LGMDR2). Also called: MUSCULAR DYSTROPHY, LIMB-GIRDLE, TYPE 3; MUSCULAR DYSTROPHY, LIMB-GIRDLE, AUTOSOMAL RECESSIVE 2; Limb-Girdle Muscular Dystrophy Type 2B (LGMD2B); Limb-girdle muscular dystrophy, type 2B. Identifiers: Orphanet 268, MedGen C1850889, MONDO:0009676, OMIM 253601.

Allele frequency attached by ClinVar (database versions not stated): 1000 Genomes Project 0.00459; 1000 Genomes Project 30x 0.00468; gnomAD 0.00650 and 0.00707; TOPMed 0.00733.
gnomAD v4.1: 1,726 of 1,355,560 alleles (0.13%); highest among the groups gnomAD compares: African/African-American, 2.3%; 17 homozygotes.

Submissions (6):

Labcorp Genetics (formerly Invitae), Labcorp
Classification: Likely benign for Neuromuscular disease caused by qualitative or quantitative defects of dysferlin. Last evaluated: 2025-10-02. Review status: criteria provided, single submitter. Criteria: Invitae Variant Classification Sherloc (09022015). Collection method: clinical testing. Allele origin: germline.

Blueprint Genetics
Classification: Likely benign. Last evaluated: 2024-11-26. Review status: criteria provided, single submitter. Criteria: ACMG Guidelines, 2015. Collection method: clinical testing. Allele origin: germline.

GeneDx
Classification: Benign. Last evaluated: 2020-10-22. Review status: criteria provided, single submitter. Criteria: GeneDx Variant Classification Process June 2021. Collection method: clinical testing. Allele origin: germline. Affected: yes.
Comment: This variant is associated with the following publications: (PMID: 22057634, 16705711, 22367358)

Mendelics
Classification: Likely benign for Autosomal recessive limb-girdle muscular dystrophy type 2B. Last evaluated: 2019-05-28. Review status: criteria provided, single submitter. Criteria: Mendelics Assertion Criteria 2017. Collection method: clinical testing. Allele origin: unknown.

Illumina Laboratory Services, Illumina
Classification: Uncertain significance for Qualitative or quantitative defects of dysferlin. Last evaluated: 2017-04-28. Review status: criteria provided, single submitter. Criteria: ICSL Variant Classification Criteria 13 December 2019. Collection method: clinical testing. Allele origin: germline.

Eurofins Ntd Llc (ga)
Classification: Likely benign. Last evaluated: 2016-08-17. Review status: criteria provided, single submitter. Criteria: EGL Classification Definitions 2015. Collection method: clinical testing. Allele origin: germline. Observed: 3 variant alleles, 3 heterozygotes.

NM_001130987.2(DYSF):c.*107T>A

Gene: DYSF (dysferlin; plus strand). Cytogenetic location: 2p13.2.
Variant type: single nucleotide variant.
Coding change: c.*107T>A on transcript NM_001130987.2 (MANE Select); 107 bases downstream of the stop codon, T replaced by A.
Molecular consequence: 3 prime UTR variant.
Genome position (GRCh38, 1-based): chr2:71,686,599, T>A. VCF-style: chr2-71686599-T-A. GRCh37 (hg19) VCF-style: chr2-71913729-T-A.
Other names: c.*107T>A (NM_001130455.2, NM_001130976.2, NM_001130977.2 and 10 more transcripts).
Identifiers: ClinVar variation 290170 (VCV000290170.21), dbSNP rs11903223, ClinGen allele CA10606673.